The following is an entry in ClinVar:

ClinVar aggregate classification (germline): Uncertain significance (1 of 4 stars; one submission).

gnomAD v4.1: 5 of 1,562,340 alleles (0.00032%); highest among the groups gnomAD compares: South Asian, 0.0012%; no homozygotes.

Submission:

Labcorp Genetics (formerly Invitae), Labcorp
Classification: Uncertain significance. Last evaluated: 2025-10-14. Review status: criteria provided, single submitter. Criteria: Invitae Variant Classification Sherloc (09022015). Collection method: clinical testing. Allele origin: germline.
Comment: This sequence change replaces histidine, which is basic and polar, with tyrosine, which is neutral and polar, at codon 1248 of the MYO18B protein (p.His1248Tyr). The frequency data for this variant in the population databases is considered unreliable, as metrics indicate poor data quality at this position in the gnomAD database. This variant has not been reported in the literature in individuals affected with MYO18B-related conditions. An algorithm developed to predict the effect of missense changes on protein structure and function outputs the following: PolyPhen-2: "Benign". The tyrosine amino acid residue is found in multiple mammalian species, which suggests that this missense change does not adversely affect protein function. In summary, the available evidence is currently insufficient to determine the role of this variant in disease. Therefore, it has been classified as a Variant of Uncertain Significance.

NM_032608.7(MYO18B):c.3742C>T (p.His1248Tyr)

Gene: MYO18B (myosin XVIIIB; plus strand). Cytogenetic location: 22q12.1.
Variant type: single nucleotide variant.
Coding change: c.3742C>T on transcript NM_032608.7 (MANE Select); coding-DNA position 3742, C replaced by T.
Protein change: p.His1248Tyr; replaces histidine 1248 with tyrosine.
Molecular consequence: missense variant.
Genome position (GRCh38, 1-based): chr22:25,847,619, C>T. VCF-style: chr22-25847619-C-T. GRCh37 (hg19) VCF-style: chr22-26243586-C-T.
Other names: c.3745C>T, p.His1249Tyr (NM_001318245.2); short protein forms H1248Y, H1249Y.
Identifiers: ClinVar variation 4701628 (VCV004701628.1).